The following is an entry in ClinVar:

ClinVar aggregate classification (germline): Conflicting classifications of pathogenicity. Review status: criteria provided, conflicting classifications (1 of 4 stars). 8 submissions from 8 submitters: Uncertain significance (5); Likely benign (2). 1 of the submissions does not count toward it. Last evaluated 2026-07-06.

Conditions:
SMARCA4-related disorder. Also called: SMARCA4-related condition.
Hereditary cancer-predisposing syndrome. Also called: Hereditary Cancer Syndrome; Tumor predisposition; Hereditary neoplastic syndrome; Neoplastic Syndromes, Hereditary. Identifiers: Orphanet 140162, MedGen C0027672, MeSH D009386, MONDO:0015356.
Intellectual disability, autosomal dominant 16 (CSS4). Also called: COFFIN-SIRIS SYNDROME 4. Identifiers: Orphanet 1465, MedGen C3553249, MONDO:0013821, OMIM 614609.
Rhabdoid tumor predisposition syndrome 2 (RTPS2). Identifiers: Orphanet 231108, Orphanet 69077, MedGen C2750074, MONDO:0013224, OMIM 613325.

Allele frequency attached by ClinVar (database versions not stated): gnomAD exomes 0.00002 and 0.00001; ExAC 0.00003.
gnomAD v4.1: 17 of 1,612,770 alleles (0.0011%); highest among the groups gnomAD compares: South Asian, 0.0033%; no homozygotes.

Submissions (8):

Myriad Genetics, Inc.
Classification: Likely benign for Rhabdoid tumor predisposition syndrome 2. Last evaluated: 2026-07-06. Review status: criteria provided, single submitter. Criteria: Myriad Autosomal Dominant, Autosomal Recessive and X-Linked Classification Criteria (2023). Collection method: clinical testing. Allele origin: unknown.
Comment: This variant is considered likely benign. This variant has been observed at a population frequency that is significantly greater than expected given the associated disease prevalence and penetrance.

Labcorp Genetics (formerly Invitae), Labcorp
Classification: Uncertain significance for Rhabdoid tumor predisposition syndrome 2. Last evaluated: 2026-01-30. Review status: criteria provided, single submitter. Criteria: Invitae Variant Classification Sherloc (09022015). Collection method: clinical testing. Allele origin: germline.
Comment: This sequence change replaces threonine, which is neutral and polar, with methionine, which is neutral and non-polar, at codon 296 of the SMARCA4 protein (p.Thr296Met). This variant is present in population databases (rs781066262, gnomAD 0.006%). This variant has not been reported in the literature in individuals affected with SMARCA4-related conditions. ClinVar contains an entry for this variant (Variation ID: 238526). An algorithm developed to predict the effect of missense changes on protein structure and function (PolyPhen-2) suggests that this variant is likely to be disruptive. In summary, the available evidence is currently insufficient to determine the role of this variant in disease. Therefore, it has been classified as a Variant of Uncertain Significance.

Quest Diagnostics Nichols Institute San Juan Capistrano
Classification: Uncertain significance. Last evaluated: 2025-04-02. Review status: criteria provided, single submitter. Criteria: Quest Diagnostics criteria. Collection method: clinical testing. Allele origin: unknown.
Comment: The SMARCA4 c.887C>T (p.Thr296Met) variant has not been reported in individuals with SMARCA4-related conditions in the published literature. The frequency of this variant in the general population (Genome Aggregation Database) is uninformative in the assessment of its pathogenicity. Analysis of this variant using a bioinformatics tool for the prediction of the effect of amino acid changes on protein structure and function yielded a prediction that this variant is benign. Based on the available information, we are unable to determine the clinical significance of this variant.

GeneDx
Classification: Uncertain significance. Last evaluated: 2024-10-17. Review status: criteria provided, single submitter. Criteria: GeneDx Variant Classification Process June 2021. Collection method: clinical testing. Allele origin: germline. Affected: yes.
Comment: In silico analysis indicates that this missense variant does not alter protein structure/function; Has not been previously published as pathogenic or benign to our knowledge; This variant is associated with the following publications: (PMID: 35432459)

Ambry Genetics
Classification: Likely benign for Hereditary cancer-predisposing syndrome. Last evaluated: 2023-03-23. Review status: criteria provided, single submitter. Criteria: Ambry Variant Classification Scheme 2023. Collection method: clinical testing. Allele origin: germline.

Sema4
Classification: Uncertain significance for Hereditary cancer-predisposing syndrome. Last evaluated: 2021-08-26. Review status: criteria provided, single submitter. Criteria: Sema4 Curation Guidelines. Collection method: curation. Allele origin: germline.
Comment: The SMARCA4 c.887C>T (p.T296M) variant has not been reported in literature to our knowledge. This variant was observed in 5/241264 chromosomes in the Genome Aggregation Database (PMID: 32461654). This variant has been reported in ClinVar (Variation ID 238526). Functional studies have not been performed and in silico predictions of the variant's effect on protein function are inconclusive. The overall evidence is insufficient to meet ACMG/AMP criteria for classifying it as benign or pathogenic. In summary, the clinical significance of this variant is currently uncertain.

Genome-Nilou Lab
Classification: Uncertain significance for Intellectual disability, autosomal dominant 16. Last evaluated: 2021-07-15. Review status: criteria provided, single submitter. Criteria: ACMG Guidelines, 2015. Collection method: clinical testing. Allele origin: germline. Affected: no.

PreventionGenetics, part of Exact Sciences
Classification: Uncertain significance for SMARCA4-related condition. Last evaluated: 2024-03-14. Review status: no assertion criteria provided. Collection method: clinical testing. Allele origin: germline. Not counted in ClinVar's aggregate classification.
Comment: The SMARCA4 c.887C>T variant is predicted to result in the amino acid substitution p.Thr296Met. To our knowledge, this variant has not been reported in the literature. This variant is reported in 0.0055% of alleles in individuals of East Asian descent in gnomAD. At this time, the clinical significance of this variant is uncertain due to the absence of conclusive functional and genetic evidence.

NM_003072.5(SMARCA4):c.887C>T (p.Thr296Met)

Gene: SMARCA4 (SWI/SNF related BAF chromatin remodeling complex subunit ATPase 4; plus strand). Cytogenetic location: 19p13.2.
Variant type: single nucleotide variant.
Coding change: c.887C>T on transcript NM_003072.5 (MANE Select); coding-DNA position 887, C replaced by T.
Protein change: p.Thr296Met; replaces threonine 296 with methionine.
Molecular consequence: missense variant. On other transcripts: non-coding transcript variant (1).
Genome position (GRCh38, 1-based): chr19:10,987,693, C>T. VCF-style: chr19-10987693-C-T. GRCh37 (hg19) VCF-style: chr19-11098369-C-T.
Other names: c.887C>T, p.Thr296Met (NM_001128844.3, NM_001128845.2, NM_001128846.2 and 5 more transcripts); short protein forms T296M.
Identifiers: ClinVar variation 238526 (VCV000238526.23), dbSNP rs781066262, ClinGen allele CA9203619.
Genomic context (GRCh38, chr19:10,987,693, plus strand): 5'-AACATGACGCCCTGGCCCCTTGCCTTCTCCCAGGACCCATGGCGAATGCTGCTGCCCCCA[C>T]GAGCACCCCTCAGAAGCTGATTCCCCCGCAGCCAACGGGCCGCCCTTCCCCCGCGCCCCC-3'
Protein context (NP_003063.2, residues 286-306): EGPMANAAAP[Thr296Met]STPQKLIPPQ